The following is an entry in ClinVar:

ClinVar aggregate classification (germline): Pathogenic. Review status: reviewed by expert panel (3 of 4 stars). 2 submissions from 2 submitters: Pathogenic (1). 1 of the submissions does not count toward it. Last evaluated 2016-10-18.

Conditions:
Breast-ovarian cancer, familial, susceptibility to, 2 (BROVCA2). Also called: BRCA2 Hereditary Breast and Ovarian Cancer. Identifiers: Orphanet 145, MedGen C2675520, MONDO:0012933, OMIM 612555. Disease mechanism: loss of function.

Submissions (2):

Evidence-based Network for the Interpretation of Germline Mutant Alleles (ENIGMA)
Classification: Pathogenic for Breast-ovarian cancer, familial, susceptibility to, 2. Last evaluated: 2016-10-18. Review status: reviewed by expert panel. Criteria: ENIGMA BRCA1/2 Classification Criteria (2015). Collection method: curation. Allele origin: germline.
Comment: Variant allele predicted to encode a truncated non-functional protein.

Consortium of Investigators of Modifiers of BRCA1/2 (CIMBA), c/o University of Cambridge
Classification: Pathogenic for Breast-ovarian cancer, familial, susceptibility to, 2. Last evaluated: 2015-10-02. Review status: criteria provided, single submitter. Criteria: CIMBA Mutation Classification guidelines May 2016. Collection method: clinical testing. Allele origin: germline. Not counted in ClinVar's aggregate classification.

NM_000059.4(BRCA2):c.3819dup (p.Lys1274Ter)

Gene: BRCA2 (BRCA2 DNA repair associated; plus strand). Cytogenetic location: 13q13.1.
Variant type: Duplication.
Coding change: c.3819dup on transcript NM_000059.4 (MANE Select); coding-DNA position 3819, one base duplicated (T; older notation c.3819dupT).
Protein change: p.Lys1274Ter; replaces lysine 1274 with a stop codon.
Molecular consequence: nonsense.
Genome position (GRCh38, 1-based): chr13:32,338,174, T duplicated; the last of 3 consecutive T bases (chr13:32,338,172-32,338,174); duplicating any one gives the same sequence. VCF-style (leftmost placement, unchanged base first): chr13-32338171-G-GT. GRCh37 (hg19) VCF-style: chr13-32912308-G-GT.
Other names: 4047_4048insT; short protein forms K1274*.
Identifiers: ClinVar variation 266775 (VCV000266775.5), dbSNP rs886040498, ClinGen allele CA10589225.